The following is an entry in ClinVar:

NM_000540.3(RYR1):c.12035T>C (p.Leu4012Pro)

Gene: RYR1 (ryanodine receptor 1; plus strand). Cytogenetic location: 19q13.2.
Variant type: single nucleotide variant.
Coding change: c.12035T>C on transcript NM_000540.3 (MANE Select); coding-DNA position 12035, T replaced by C.
Protein change: p.Leu4012Pro; replaces leucine 4012 with proline.
Molecular consequence: missense variant.
Genome position (GRCh38, 1-based): chr19:38,546,467, T>C. VCF-style: chr19-38546467-T-C. GRCh37 (hg19) VCF-style: chr19-39037107-T-C.
Other names: c.12020T>C, p.Leu4007Pro (NM_001042723.2); short protein forms L4007P, L4012P.
Identifiers: ClinVar variation 1896670 (VCV001896670.5), dbSNP rs2514591692, ClinGen allele CA405663832.

ClinVar aggregate classification (germline): Uncertain significance (1 of 4 stars; one submission).

Conditions:
RYR1-related disorder. Also called: RYR1-related condition; RYR1-related disorders. Identifiers: MedGen CN239331.

Submission:

Labcorp Genetics (formerly Invitae), Labcorp
Classification: Uncertain significance for RYR1-related disorder. Last evaluated: 2022-08-24. Review status: criteria provided, single submitter. Criteria: Invitae Variant Classification Sherloc (09022015). Collection method: clinical testing. Allele origin: germline.
Comment: Advanced modeling of protein sequence and biophysical properties (such as structural, functional, and spatial information, amino acid conservation, physicochemical variation, residue mobility, and thermodynamic stability) performed at Invitae indicates that this missense variant is expected to disrupt RYR1 protein function. This sequence change replaces leucine, which is neutral and non-polar, with proline, which is neutral and non-polar, at codon 4012 of the RYR1 protein (p.Leu4012Pro). This variant is not present in population databases (gnomAD no frequency). This variant has not been reported in the literature in individuals affected with RYR1-related conditions. In summary, the available evidence is currently insufficient to determine the role of this variant in disease. Therefore, it has been classified as a Variant of Uncertain Significance.